The following is an entry in ClinVar:

NM_001378452.1(ITPR1):c.3261_3262del (p.Ala1089fs)

Gene: ITPR1 (inositol 1,4,5-trisphosphate receptor type 1; plus strand). Cytogenetic location: 3p26.1.
Variant type: Deletion.
Coding change: c.3261_3262del on transcript NM_001378452.1 (MANE Select); coding-DNA positions 3261 to 3262, 2 bases deleted (AG; older notation c.3261_3262delAG).
Protein change: p.Ala1089fs; shifts the reading frame from alanine 1089.
Molecular consequence: frameshift variant.
Genome position (GRCh38, 1-based): chr3:4,683,485-4,683,486, AG deleted. VCF-style (leftmost placement, unchanged base first): chr3-4683484-CAG-C. GRCh37 (hg19) VCF-style: chr3-4725168-CAG-C.
Other names: c.3234_3235del, p.Ala1080fs (NM_001099952.4); c.3216_3217del, p.Ala1074fs (NM_001168272.2); c.3189_3190del, p.Ala1065fs (NM_002222.7); short protein forms A1065fs, A1074fs, A1080fs, A1089fs.
Identifiers: ClinVar variation 2749621 (VCV002749621.4), dbSNP rs2469794297, ClinGen allele CA2697550642.

ClinVar aggregate classification (germline): Pathogenic/Likely pathogenic. Review status: criteria provided, multiple submitters, no conflicts (2 of 4 stars). 2 submissions from 2 submitters: Pathogenic (1); Likely pathogenic (1). Last evaluated 2025-05-22.

Conditions:
Gillespie syndrome (GLSP). Also called: Aniridia, cerebellar ataxia, and mental deficiency; Aniridia-cerebellar ataxia-intellectual disability syndrome. Identifiers: Orphanet 1065, MedGen C0431401, MONDO:0008795, OMIM 206700.

Submissions (2):

Labcorp Genetics (formerly Invitae), Labcorp
Classification: Pathogenic. Last evaluated: 2025-05-22. Review status: criteria provided, single submitter. Criteria: Invitae Variant Classification Sherloc (09022015). Collection method: clinical testing. Allele origin: germline.
Comment: This sequence change creates a premature translational stop signal (p.Ala1065Profs*62) in the ITPR1 gene. It is expected to result in an absent or disrupted protein product. Loss-of-function variants in ITPR1 are known to be pathogenic (PMID: 27108797). This variant is not present in population databases (gnomAD no frequency). This variant has not been reported in the literature in individuals affected with ITPR1-related conditions. ClinVar contains an entry for this variant (Variation ID: 2749621). For these reasons, this variant has been classified as Pathogenic.

Variantyx, Inc.
Classification: Likely pathogenic for Gillespie syndrome. Last evaluated: 2025-03-26. Review status: criteria provided, single submitter. Criteria: Variantyx Assertion Criteria 2022. Collection method: clinical testing. Allele origin: paternal.
Comment: This is a frameshift variant in the ITPR1 gene (OMIM: 147265). Pathogenic variants in this gene have been associated with autosomal dominant or autosomal recessive Gillespie syndrome. This variant introduces a premature termination codon in exon 27 out of 62. It is expected to result in loss of function, which is a known disease mechanism for ITPR1 in this disorder (PMID: 27108797) (PVS1). This variant is absent from control populations (PM2_Supporting). Based on the current evidence, this variant is classified as likely pathogenic for autosomal autosomal recessive Gillespie syndrome.

Literature cited by the submitters: PubMed 27108797 (cited by Labcorp Genetics (formerly Invitae), Labcorp).